The following is an entry in ClinVar:

NM_001430.5(EPAS1):c.2087G>A (p.Ser696Asn)

Gene: EPAS1 (endothelial PAS domain protein 1; plus strand). Cytogenetic location: 2p21.
Variant type: single nucleotide variant.
Coding change: c.2087G>A on transcript NM_001430.5 (MANE Select); coding-DNA position 2087, G replaced by A.
Protein change: p.Ser696Asn; replaces serine 696 with asparagine.
Molecular consequence: missense variant.
Genome position (GRCh38, 1-based): chr2:46,381,637, G>A. VCF-style: chr2-46381637-G-A. GRCh37 (hg19) VCF-style: chr2-46608776-G-A.
Other names: short protein forms S696N.
Identifiers: ClinVar variation 3275713 (VCV003275713.1).
Genomic context (GRCh38, chr2:46,381,637, plus strand): 5'-GCTCTCTCGGGCTTGGCAGGTCTGCAAAGGGTTTTGGGGCTCGAGGCCCAGACGTGCTGA[G>A]TCCGGCCATGGTAGCCCTCTCCAACAAGCTGAAGCTGAAGCGACAGCTGGAGTATGAAGA-3'
Protein context (NP_001421.2, residues 686-706): GFGARGPDVL[Ser696Asn]PAMVALSNKL

ClinVar aggregate classification (germline): Uncertain significance (1 of 4 stars; one submission).

Conditions:
Inborn genetic diseases. Identifiers: MedGen C0950123, MeSH D030342.

Submission:

Ambry Genetics
Classification: Uncertain significance for Inborn genetic diseases. Last evaluated: 2024-04-30. Review status: criteria provided, single submitter. Criteria: Ambry Variant Classification Scheme 2023. Collection method: clinical testing. Allele origin: germline.
Comment: The p.S696N variant (also known as c.2087G>A), located in coding exon 13 of the EPAS1 gene, results from a G to A substitution at nucleotide position 2087. The serine at codon 696 is replaced by asparagine, an amino acid with highly similar properties. This amino acid position is conserved. In addition, this alteration is predicted to be tolerated by in silico analysis. Based on the available evidence, the clinical significance of this variant remains unclear.